The following is an entry in ClinVar:

ClinVar aggregate classification (germline): Uncertain significance (1 of 4 stars; one submission).

gnomAD v4.1: 13 of 1,601,060 alleles (0.00081%); highest among the groups gnomAD compares: African/African-American, 0.0014%; no homozygotes.

Submission:

Labcorp Genetics (formerly Invitae), Labcorp
Classification: Uncertain significance. Last evaluated: 2024-07-19. Review status: criteria provided, single submitter. Criteria: Invitae Variant Classification Sherloc (09022015). Collection method: clinical testing. Allele origin: germline.
Comment: This sequence change replaces glycine, which is neutral and non-polar, with glutamic acid, which is acidic and polar, at codon 298 of the ANGPT1 protein (p.Gly298Glu). This variant is present in population databases (rs200759584, gnomAD 0.0009%). This variant has not been reported in the literature in individuals affected with ANGPT1-related conditions. An algorithm developed to predict the effect of missense changes on protein structure and function (PolyPhen-2) suggests that this variant is likely to be disruptive. In summary, the available evidence is currently insufficient to determine the role of this variant in disease. Therefore, it has been classified as a Variant of Uncertain Significance.

NM_001146.5(ANGPT1):c.893G>A (p.Gly298Glu)

Gene: ANGPT1 (angiopoietin 1; minus strand). Cytogenetic location: 8q23.1.
Variant type: single nucleotide variant.
Coding change: c.893G>A on transcript NM_001146.5 (MANE Select); coding-DNA position 893, G replaced by A.
Protein change: p.Gly298Glu; replaces glycine 298 with glutamic acid.
Molecular consequence: missense variant.
Genome position (GRCh38, 1-based): chr8:107,303,283, C>T on the plus strand (G>A on the coding strand, the complement: ANGPT1 is on the minus strand). VCF-style: chr8-107303283-C-T. GRCh37 (hg19) VCF-style: chr8-108315511-C-T.
Other names: c.890G>A, p.Gly297Glu (NM_001199859.3); c.293G>A, p.Gly98Glu (NM_001314051.2); short protein forms G298E, G98E, G297E.
Identifiers: ClinVar variation 3676524 (VCV003676524.2).
Genomic context (GRCh38, chr8:107,303,283, plus strand): 5'-AACACTTCTGGTTTTACCTTTTTGGGTTCTGGCATATTATTAATATAAATAGTGTAGATT[C>T]CACTTTTATTAAAACCAGCTTGATATACATCTGCACAGTCTCTAAATGGTTTCTCTTCCT-3'
Protein context (NP_001137.2, residues 288-308): DVYQAGFNKS[Gly298Glu]IYTIYINNMP